The following is an entry in ClinVar:

ClinVar aggregate classification (germline): Benign. Review status: criteria provided, single submitter (1 of 4 stars). 2 submissions from 2 submitters: Benign (1). 1 of the submissions does not count toward it. Last evaluated 2026-01-29.

Conditions:
TMEM106B-related disorder. Also called: TMEM106B-related condition.

Allele frequency attached by ClinVar (database versions not stated): 1000 Genomes Project 0.00639; 1000 Genomes Project 30x 0.00734; gnomAD 0.01279 and 0.01332; TOPMed 0.01320; gnomAD exomes 0.01403 and 0.01486; ExAC 0.01415; ESP Exome Variant Server 0.01422.
gnomAD v4.1: 23,655 of 1,613,354 alleles (1.5%); highest among the groups gnomAD compares: Non-Finnish European, 1.7%; 218 homozygotes.

Submissions (2):

Labcorp Genetics (formerly Invitae), Labcorp
Classification: Benign. Last evaluated: 2026-01-29. Review status: criteria provided, single submitter. Criteria: Invitae Variant Classification Sherloc (09022015). Collection method: clinical testing. Allele origin: germline.

PreventionGenetics, part of Exact Sciences
Classification: Benign for TMEM106B-related condition. Last evaluated: 2019-07-23. Review status: no assertion criteria provided. Collection method: clinical testing. Allele origin: germline. Not counted in ClinVar's aggregate classification.
Comment: This variant is classified as benign based on ACMG/AMP sequence variant interpretation guidelines (Richards et al. 2015 PMID: 25741868, with internal and published modifications).

NM_001134232.2(TMEM106B):c.401G>A (p.Ser134Asn)

Gene: TMEM106B (transmembrane protein 106B; plus strand). Cytogenetic location: 7p21.3.
Variant type: single nucleotide variant.
Coding change: c.401G>A on transcript NM_001134232.2 (MANE Select); coding-DNA position 401, G replaced by A.
Protein change: p.Ser134Asn; replaces serine 134 with asparagine.
Molecular consequence: missense variant.
Genome position (GRCh38, 1-based): chr7:12,224,345, G>A. VCF-style: chr7-12224345-G-A. GRCh37 (hg19) VCF-style: chr7-12263971-G-A.
Other names: c.401G>A (NM_018374.3); c.401G>A, p.Ser134Asn (NM_018374.4); short protein forms S134N.
Identifiers: ClinVar variation 1170889 (VCV001170889.11), dbSNP rs147889591, ClinGen allele CA4165082.
Genomic context (GRCh38, chr7:12,224,345, plus strand): 5'-TTTTCCTTTTCCCTCGCTCTATCGACGTGAAATACATTGGTGTAAAATCAGCCTATGTCA[G>A]TTATGATGTTCAGAAGCGTACAATTTATTTAAATATCACAGTGAGTATAAATTTATATGA-3'
Protein context (NP_001127704.1, residues 124-144): KYIGVKSAYV[Ser134Asn]YDVQKRTIYL